The following is an entry in ClinVar:

NM_001256447.2(BCAP31):c.227T>C (p.Val76Ala)

Gene: BCAP31 (B cell receptor associated protein 31; minus strand). Cytogenetic location: Xq28.
Variant type: single nucleotide variant.
Coding change: c.227T>C on transcript NM_001256447.2 (MANE Select); coding-DNA position 227, T replaced by C.
Protein change: p.Val76Ala; replaces valine 76 with alanine.
Molecular consequence: missense variant.
Genome position (GRCh38, 1-based): chrX:153,715,656, A>G on the plus strand (T>C on the coding strand, the complement: BCAP31 is on the minus strand). VCF-style: chrX-153715656-A-G. GRCh37 (hg19) VCF-style: chrX-152981111-A-G.
Other names: c.227T>C, p.Val76Ala (NM_001139441.1, NM_005745.8); c.428T>C, p.Val143Ala (NM_001139457.2); short protein forms V76A, V143A.
Identifiers: ClinVar variation 2842573 (VCV002842573.3), dbSNP rs1569540256, ClinGen allele CA415094503.
Genomic context (GRCh38, chrX:153,715,656, plus strand): 5'-AGCTTCATGTGGAAGTGCTCCATGGCCCCGGGATTGTTCTGGAGGTTCACCTTTTCCGTC[A>G]CATCATCATACTTCCGAATTTCGCGCACGGCATCTGTGGTGGAGCAGAGAGGAGACACGG-3'
Protein context (NP_001243376.1, residues 66-86): AVREIRKYDD[Val76Ala]TEKVNLQNNP

ClinVar aggregate classification (germline): Uncertain significance (1 of 4 stars; one submission).

Allele frequency attached by ClinVar (database versions not stated): gnomAD exomes below 0.00001.

Submission:

Labcorp Genetics (formerly Invitae), Labcorp
Classification: Uncertain significance. Last evaluated: 2023-03-07. Review status: criteria provided, single submitter. Criteria: Invitae Variant Classification Sherloc (09022015). Collection method: clinical testing. Allele origin: germline.
Comment: This variant has not been reported in the literature in individuals affected with BCAP31-related conditions. This variant is not present in population databases (gnomAD no frequency). This sequence change replaces valine, which is neutral and non-polar, with alanine, which is neutral and non-polar, at codon 76 of the BCAP31 protein (p.Val76Ala). An algorithm developed to predict the effect of missense changes on protein structure and function (PolyPhen-2) suggests that this variant is likely to be tolerated. In summary, the available evidence is currently insufficient to determine the role of this variant in disease. Therefore, it has been classified as a Variant of Uncertain Significance.